The following is an entry in ClinVar:

ClinVar aggregate classification (germline): Uncertain significance (1 of 4 stars; one submission).

Conditions:
Inborn genetic diseases. Identifiers: MedGen C0950123, MeSH D030342.

Submission:

Ambry Genetics
Classification: Uncertain significance for Inborn genetic diseases. Last evaluated: 2026-07-10. Review status: criteria provided, single submitter. Criteria: Ambry Variant Classification Scheme 2023. Collection method: clinical testing. Allele origin: germline.
Comment: The p.Q1201H variant (also known as c.3603A>C), located in coding exon 13 of the ASXL1 gene, results from an A to C substitution at nucleotide position 3603. The glutamine at codon 1201 is replaced by histidine, an amino acid with highly similar properties. This amino acid position is conserved. In addition, this alteration is predicted to be tolerated by in silico analysis. Based on the available evidence, the clinical significance of this variant remains unclear.

NM_015338.6(ASXL1):c.3603A>C (p.Gln1201His)

Gene: ASXL1 (ASXL transcriptional regulator 1; plus strand). Cytogenetic location: 20q11.21.
Variant type: single nucleotide variant.
Coding change: c.3603A>C on transcript NM_015338.6 (MANE Select); coding-DNA position 3603, A replaced by C.
Protein change: p.Gln1201His; replaces glutamine 1201 with histidine.
Molecular consequence: missense variant.
Genome position (GRCh38, 1-based): chr20:32,436,315, A>C. VCF-style: chr20-32436315-A-C. GRCh37 (hg19) VCF-style: chr20-31024118-A-C.
Other names: c.3420A>C, p.Gln1140His (NM_001363734.1); short protein forms Q1140H, Q1201H.
Identifiers: ClinVar variation 5029864 (VCV005029864.1).